The following is an entry in ClinVar:

ClinVar aggregate classification (germline): Uncertain significance. Review status: criteria provided, multiple submitters, no conflicts (2 of 4 stars). 2 submissions from 2 submitters: Uncertain significance (2). Last evaluated 2026-05-27.

Conditions:
Myopathy, tubular aggregate, 2 (TAM2). Identifiers: MedGen C4014557, MONDO:0014383, OMIM 615883.
Combined immunodeficiency due to ORAI1 deficiency. Also called: IMMUNODEFICIENCY 9. Identifiers: Orphanet 169090, Orphanet 317428, MedGen C2748568, MONDO:0013007, OMIM 612782.

Allele frequency attached by ClinVar (database versions not stated): gnomAD exomes 0.00001; 1000 Genomes Project 0.00020; 1000 Genomes Project 30x 0.00031; TOPMed 0.00001; ExAC 0.00003.

Submissions (2):

Women's Health and Genetics/Laboratory Corporation of America, LabCorp
Classification: Uncertain significance. Last evaluated: 2026-05-27. Review status: criteria provided, single submitter. Criteria: LabCorp Variant Classification Summary - May 2015. Collection method: clinical testing. Allele origin: germline.
Comment: Variant summary: ORAI1 c.337G>A (p.Ala113Thr) (Refseq c.331G>A) results in a non-conservative amino acid change in the encoded protein sequence. Algorithms developed to predict the effect of missense changes on protein structure and function are either unavailable or do not agree on the potential impact of this missense change. The variant allele was found at a frequency of 3.7e-05 in 245288 control chromosomes. The available data on variant occurrences in the general population are insufficient to allow any conclusion about variant significance. To our knowledge, no occurrence of c.337G>A in individuals affected with ORAI1-related conditions and no experimental evidence demonstrating its impact on protein function have been reported. ClinVar contains an entry for this variant (Variation ID: 958168). Based on the evidence outlined above, the variant was classified as uncertain significance.

Labcorp Genetics (formerly Invitae), Labcorp
Classification: Uncertain significance for Myopathy, tubular aggregate, 2; Combined immunodeficiency due to ORAI1 deficiency. Last evaluated: 2025-12-25. Review status: criteria provided, single submitter. Criteria: Invitae Variant Classification Sherloc (09022015). Collection method: clinical testing. Allele origin: germline.
Comment: This sequence change replaces alanine, which is neutral and non-polar, with threonine, which is neutral and polar, at codon 111 of the ORAI1 protein (p.Ala111Thr). This variant is present in population databases (rs529121117, gnomAD 0.03%). This variant has not been reported in the literature in individuals affected with ORAI1-related conditions. ClinVar contains an entry for this variant (Variation ID: 958168). An algorithm developed to predict the effect of missense changes on protein structure and function outputs the following: PolyPhen-2: "Not Available". The threonine amino acid residue is found in multiple mammalian species, which suggests that this missense change does not adversely affect protein function. In summary, the available evidence is currently insufficient to determine the role of this variant in disease. Therefore, it has been classified as a Variant of Uncertain Significance.

NM_032790.4(ORAI1):c.331G>A (p.Ala111Thr)

Gene: ORAI1 (ORAI calcium release-activated calcium modulator 1; plus strand). Cytogenetic location: 12q24.31.
Variant type: single nucleotide variant.
Coding change: c.331G>A on transcript NM_032790.4 (MANE Select); coding-DNA position 331, G replaced by A.
Protein change: p.Ala111Thr; replaces alanine 111 with threonine.
Genome position (GRCh38, 1-based): chr12:121,641,068, G>A. VCF-style: chr12-121641068-G-A. GRCh37 (hg19) VCF-style: chr12-122078974-G-A.
Other names: short protein forms A111T.
Identifiers: ClinVar variation 958168 (VCV000958168.9), dbSNP rs529121117, ClinGen allele CA6837472.